The following is an entry in ClinVar:

ClinVar aggregate classification (germline): Conflicting classifications of pathogenicity. Review status: criteria provided, conflicting classifications (1 of 4 stars). 2 submissions from 2 submitters: Uncertain significance (1); Likely benign (1). Last evaluated 2026-01-20.

Conditions:
Immunodeficiency 23 (IMD23). Also called: IMMUNODEFICIENCY WITH HYPER IgE AND COGNITIVE IMPAIRMENT; IMMUNODEFICIENCY-VASCULITIS-MYOCLONUS SYNDROME. Identifiers: Orphanet 443811, MedGen C4014371, MONDO:0014353, OMIM 615816.

Allele frequency attached by ClinVar (database versions not stated): gnomAD 0.00001; gnomAD exomes 0.00001 and 0.00005; ExAC 0.00002; TOPMed 0.00004.
gnomAD v4.1: 20 of 1,613,890 alleles (0.0012%); highest among the groups gnomAD compares: Admixed American, 0.033%; no homozygotes.

Submissions (2):

Labcorp Genetics (formerly Invitae), Labcorp
Classification: Likely benign for Immunodeficiency 23. Last evaluated: 2026-01-20. Review status: criteria provided, single submitter. Criteria: Invitae Variant Classification Sherloc (09022015). Collection method: clinical testing. Allele origin: germline.

Center for Genomics, Ann and Robert H. Lurie Children's Hospital of Chicago
Classification: Uncertain significance for Immunodeficiency 23. Last evaluated: 2021-03-30. Review status: criteria provided, single submitter. Criteria: ACMG Guidelines, 2015. Collection method: clinical testing. Allele origin: germline.
Comment: PGM3 NM_001199917.1 exon 4 p.Val101= (c.303A>G): This variant has not been reported in the literature and is present in 0.03% (13/33576) of Latino alleles in the Genome Aggregation Database. Evolutionary conservation and computational predictive tools for this variant are limited or unavailable. Of note, this variant is a silent variant and does not change the amino acid, reducing the probability that this variant is disease causing. In summary, data on this variant is insufficient for disease classification. Therefore, the clinical significance of this variant is uncertain.

NM_015599.3(PGM3):c.219A>G (p.Val73=)

Gene: PGM3 (phosphoglucomutase 3; minus strand). Cytogenetic location: 6q14.1.
Variant type: single nucleotide variant.
Coding change: c.219A>G on transcript NM_015599.3 (MANE Select); coding-DNA position 219, A replaced by G.
Protein change: p.Val73=; no amino-acid change (valine 73 retained).
Molecular consequence: synonymous variant. On other transcripts: 5 prime UTR variant (1), non-coding transcript variant (1).
Genome position (GRCh38, 1-based): chr6:83,188,784, T>C on the plus strand (A>G on the coding strand, the complement: PGM3 is on the minus strand). VCF-style: chr6-83188784-T-C. GRCh37 (hg19) VCF-style: chr6-83898503-T-C.
Other names: c.303A>G, p.Val101= (NM_001199917.2, NM_001367287.1); c.-25A>G (NM_001199918.2); c.219A>G, p.Val73= (NM_001199919.2, NM_001367286.1).
Identifiers: ClinVar variation 626148 (VCV000626148.11), dbSNP rs752657453, ClinGen allele CA3906853.
Genomic context (GRCh38, chr6:83,188,784, plus strand): 5'-ACAGGTGGCATGTTCCTCCCAGGATGGTGCCAACATTTCACCCAAAGGATCAACCAATTT[T>C]ACACCATTGTCTTCCTTAAAAGAAAAACAAACAATAAGCAATCTGTGCATACTCATGAGG-3'
Protein context (NP_056414.1, residues 63-83): ASHNPEEDNG[Val73=]KLVDPLGEML